The following is an entry in ClinVar:

NM_206937.2(LIG4):c.2161G>A (p.Val721Ile)

Gene: LIG4 (DNA ligase 4; minus strand). Cytogenetic location: 13q33.3.
Variant type: single nucleotide variant.
Coding change: c.2161G>A on transcript NM_206937.2 (MANE Select); coding-DNA position 2161, G replaced by A.
Protein change: p.Val721Ile; replaces valine 721 with isoleucine.
Molecular consequence: missense variant.
Genome position (GRCh38, 1-based): chr13:108,209,108, C>T on the plus strand (G>A on the coding strand, the complement: LIG4 is on the minus strand). VCF-style: chr13-108209108-C-T. GRCh37 (hg19) VCF-style: chr13-108861456-C-T.
Other names: c.2161G>A, p.Val721Ile (NM_001098268.2, NM_001352598.2, NM_001352599.2 and 6 more transcripts); c.1960G>A, p.Val654Ile (NM_001330595.2); c.2197G>A, p.Val733Ile (NM_001352604.2); short protein forms V654I, V721I, V733I.
Identifiers: ClinVar variation 1715171 (VCV001715171.3), dbSNP rs372457480, ClinGen allele CA7043551.

ClinVar aggregate classification (germline): Uncertain significance (1 of 4 stars; one submission).

Conditions:
DNA ligase IV deficiency. Identifiers: Orphanet 99812, MedGen C1847827, MONDO:0011686, OMIM 606593.

Allele frequency attached by ClinVar (database versions not stated): gnomAD 0.00001; TOPMed 0.00002; ESP Exome Variant Server 0.00015.
gnomAD v4.1: 1 of 1,614,068 alleles (0.000062%); highest among the groups gnomAD compares: African/African-American, 0.0013%; no homozygotes.

Submission:

Labcorp Genetics (formerly Invitae), Labcorp
Classification: Uncertain significance for DNA ligase IV deficiency. Last evaluated: 2022-08-05. Review status: criteria provided, single submitter. Criteria: Invitae Variant Classification Sherloc (09022015). Collection method: clinical testing. Allele origin: germline.
Comment: This sequence change replaces valine, which is neutral and non-polar, with isoleucine, which is neutral and non-polar, at codon 721 of the LIG4 protein (p.Val721Ile). This variant is not present in population databases (gnomAD no frequency). This variant has not been reported in the literature in individuals affected with LIG4-related conditions. Algorithms developed to predict the effect of missense changes on protein structure and function are either unavailable or do not agree on the potential impact of this missense change (SIFT: "Tolerated"; PolyPhen-2: "Possibly Damaging"; Align-GVGD: "Class C0"). In summary, the available evidence is currently insufficient to determine the role of this variant in disease. Therefore, it has been classified as a Variant of Uncertain Significance.